The following is an entry in ClinVar:

NM_033305.3(VPS13A):c.2706A>T (p.Glu902Asp)

Gene: VPS13A (vacuolar protein sorting 13 homolog A; plus strand). Cytogenetic location: 9q21.2.
Variant type: single nucleotide variant.
Coding change: c.2706A>T on transcript NM_033305.3 (MANE Select); coding-DNA position 2706, A replaced by T.
Protein change: p.Glu902Asp; replaces glutamic acid 902 with aspartic acid.
Molecular consequence: missense variant.
Genome position (GRCh38, 1-based): chr9:77,276,103, A>T. VCF-style: chr9-77276103-A-T. GRCh37 (hg19) VCF-style: chr9-79891019-A-T.
Other names: p.Glu902Asp; c.2706A>T, p.Glu902Asp (NM_001018037.2, NM_001018038.3, NM_015186.4); short protein forms E902D.
Identifiers: ClinVar variation 3379872 (VCV003379872.1).

ClinVar aggregate classification (germline): Uncertain significance (1 of 4 stars; one submission).

gnomAD v4.1: 43 of 1,613,112 alleles (0.0027%); highest among the groups gnomAD compares: Non-Finnish European, 0.0036%; no homozygotes.

Submission:

Mayo Clinic Laboratories, Mayo Clinic
Classification: Uncertain significance. Last evaluated: 2024-07-17. Review status: criteria provided, single submitter. Criteria: ACMG Guidelines, 2015. Collection method: clinical testing. Allele origin: germline. Observed: 1 variant allele.
Comment: BP4